The following is an entry in ClinVar:

ClinVar aggregate classification (germline): Benign/Likely benign. Review status: criteria provided, multiple submitters, no conflicts (2 of 4 stars). 6 submissions from 6 submitters: Benign (4); Likely benign (2). Last evaluated 2026-07-01.

Conditions:
Nicolaides-Baraitser syndrome (NCBRS). Also called: SMARCA2-Related Nicolaides-Baraitser Syndrome; Intellectual disability-sparse hair-brachydactyly syndrome. Identifiers: Orphanet 3051, MedGen C1303073, MONDO:0011053, OMIM 601358.

Allele frequency attached by ClinVar (database versions not stated): ESP Exome Variant Server 0.00046; gnomAD 0.00060 and 0.00063; TOPMed 0.00074; 1000 Genomes Project 0.00120; 1000 Genomes Project 30x 0.00125.
gnomAD v4.1: 1,210 of 1,613,628 alleles (0.075%); highest among the groups gnomAD compares: Admixed American, 0.19%; 3 homozygotes.

Submissions (6):

CeGaT Center for Human Genetics Tuebingen
Classification: Likely benign. Last evaluated: 2026-07-01. Review status: criteria provided, single submitter. Criteria: CeGaT Center For Human Genetics Tuebingen Variant Classification Criteria Version 2. Collection method: clinical testing. Allele origin: germline. Affected: yes. Observed: 4 variant alleles.
Comment: SMARCA2: BS1

Labcorp Genetics (formerly Invitae), Labcorp
Classification: Benign. Last evaluated: 2026-01-28. Review status: criteria provided, single submitter. Criteria: Invitae Variant Classification Sherloc (09022015). Collection method: clinical testing. Allele origin: germline.

Blueprint Genetics
Classification: Likely benign. Last evaluated: 2024-11-25. Review status: criteria provided, single submitter. Criteria: ACMG Guidelines, 2015. Collection method: clinical testing. Allele origin: germline.

GeneDx
Classification: Benign. Last evaluated: 2021-01-27. Review status: criteria provided, single submitter. Criteria: GeneDx Variant Classification Process June 2021. Collection method: clinical testing. Allele origin: germline. Affected: yes.

Illumina Laboratory Services, Illumina
Classification: Benign for Nicolaides-Baraitser syndrome. Last evaluated: 2018-01-12. Review status: criteria provided, single submitter. Criteria: ICSL Variant Classification Criteria 13 December 2019. Collection method: clinical testing. Allele origin: germline.
Comment: This variant was observed in the ICSL laboratory as part of a predisposition screen in an ostensibly healthy population. It had not been previously curated by ICSL or reported in the Human Gene Mutation Database (HGMD: prior to June 1st, 2018), and was therefore a candidate for classification through an automated scoring system. Utilizing variant allele frequency, disease prevalence and penetrance estimates, and inheritance mode, an automated score was calculated to assess if this variant is too frequent to cause the disease. Based on the score and internal cut-off values, a variant classified as benign is not then subjected to further curation. The score for this variant resulted in a classification of benign for this disease.

Breakthrough Genomics
Classification: Benign. Review status: criteria provided, single submitter. Criteria: ACMG Guidelines, 2015. Collection method: not provided. Allele origin: germline. Inheritance: Autosomal dominant inheritance. Affected: yes.

NM_003070.5(SMARCA2):c.4737+13G>A

Gene: SMARCA2 (SWI/SNF related BAF chromatin remodeling complex subunit ATPase 2; plus strand). Cytogenetic location: 9p24.3.
Variant type: single nucleotide variant.
Coding change: c.4737+13G>A on transcript NM_003070.5 (MANE Select); 13 bases into the intron after coding-DNA position 4737, G replaced by A.
Molecular consequence: intron variant.
Genome position (GRCh38, 1-based): chr9:2,191,421, G>A. VCF-style: chr9-2191421-G-A. GRCh37 (hg19) VCF-style: chr9-2191421-G-A.
Other names: c.4683+13G>A (NM_139045.4); c.4509+13G>A (NM_001289397.2); c.4737+13G>A (NM_001289396.2); c.711+13G>A (NM_001289398.2); c.801+13G>A (NM_001289400.2); c.795+13G>A (NM_001289399.2).
Identifiers: ClinVar variation 912462 (VCV000912462.20), dbSNP rs149380449, ClinGen allele CA4964304.